The following is an entry in ClinVar:

NC_000004.11:g.(?_100239320)_(100544005_?)dup

Genes: ADH1B (alcohol dehydrogenase 1B (class I), beta polypeptide; minus strand), ADH1C (alcohol dehydrogenase 1C (class I), gamma polypeptide; minus strand), ADH7 (alcohol dehydrogenase 7 (class IV), mu or sigma polypeptide; minus strand), C4orf17 (chromosome 4 open reading frame 17; plus strand), MTTP (microsomal triglyceride transfer protein; plus strand) and 1 more. Cytogenetic location: 4q23.
Variant type: Duplication.
Identifiers: ClinVar variation 1477317 (VCV001477317.3).

ClinVar aggregate classification (germline): Uncertain significance (1 of 4 stars; one submission).

Submission:

Labcorp Genetics (formerly Invitae), Labcorp
Classification: Uncertain significance. Last evaluated: 2021-12-13. Review status: criteria provided, single submitter. Criteria: Invitae Variant Classification Sherloc (09022015). Collection method: clinical testing. Allele origin: germline.
Comment: A copy number gain of the genomic region encompassing the full coding sequence of the MTTP gene has been identified. The boundaries of this event are unknown as they extend beyond the assayed region for this gene and therefore may encompass additional genes. As the precise location of this event is unknown, it may be in tandem or it may be located elsewhere in the genome. This variant has not been reported in the literature in individuals affected with MTTP-related conditions. Experimental studies and prediction algorithms are not available or were not evaluated, and the functional significance of this variant is currently unknown. In summary, the available evidence is currently insufficient to determine the role of this variant in disease. Therefore, it has been classified as a Variant of Uncertain Significance.